The following is an entry in ClinVar:

NM_000059.4(BRCA2):c.485G>T (p.Gly162Val)

Gene: BRCA2 (BRCA2 DNA repair associated; plus strand). Cytogenetic location: 13q13.1.
Variant type: single nucleotide variant.
Coding change: c.485G>T on transcript NM_000059.4 (MANE Select); coding-DNA position 485, G replaced by T.
Protein change: p.Gly162Val; replaces glycine 162 with valine.
Molecular consequence: missense variant. On other transcripts: non-coding transcript variant (1).
Genome position (GRCh38, 1-based): chr13:32,326,251, G>T. VCF-style: chr13-32326251-G-T. GRCh37 (hg19) VCF-style: chr13-32900388-G-T.
Other names: c.485G>T, p.Gly162Val (NM_001406719.1, NM_001406720.1, NM_001406721.1 and 1 more transcripts); c.116G>T, p.Gly39Val (NM_001406722.1); short protein forms G162V, G39V.
Identifiers: ClinVar variation 4756331 (VCV004756331.1).

ClinVar aggregate classification (germline): Uncertain significance (1 of 4 stars; one submission).

Conditions:
Hereditary cancer-predisposing syndrome. Also called: Tumor predisposition; Hereditary Cancer Syndrome; Neoplastic Syndromes, Hereditary; Hereditary neoplastic syndrome. Identifiers: Orphanet 140162, MedGen C0027672, MeSH D009386, MONDO:0015356.

Submission:

Color Diagnostics, LLC DBA Color Health
Classification: Uncertain significance for Hereditary cancer-predisposing syndrome. Last evaluated: 2025-09-22. Review status: criteria provided, single submitter. Criteria: ACMG Guidelines, 2015. Collection method: clinical testing. Allele origin: germline.
Comment: This missense variant replaces glycine with valine at codon 162 of the BRCA2 protein. Computational prediction suggests that this variant may not impact protein structure and function. To our knowledge, functional studies have not been reported for this variant. This variant has not been reported in individuals affected with BRCA2-related disorders in the literature. This variant has not been identified in the general population by the Genome Aggregation Database (gnomAD). The available evidence is insufficient to determine the role of this variant in disease conclusively. Therefore, this variant is classified as a Variant of Uncertain Significance.